The following is an entry in ClinVar:

ClinVar aggregate classification (germline): Likely pathogenic (1 of 4 stars; one submission).

Submission:

GeneDx
Classification: Likely pathogenic. Last evaluated: 2017-02-07. Review status: criteria provided, single submitter. Criteria: GeneDx Variant Classification (06012015). Collection method: clinical testing. Allele origin: germline. Affected: yes.
Comment: The c.2003delA variant has not been published as a pathogenic variant, nor has it been reported as a benign variant to our knowledge. The c.2003delA variant is not observed in large population cohorts (Lek et al., 2016; 1000 Genomes Consortium et al., 2015; Exome Variant Server). The deletion causes a frameshift starting with codon Asparagine 668, changes this amino acid to a Methionine residue and creates a premature Stop codon at position 13 of the new reading frame, denoted p.Asn668MetfsX13. This variant is predicted to cause loss of normal protein function either through protein truncation or nonsense-mediated mRNA decay. In summary, we interpret this variant as likely pathogenic.

NM_000254.3(MTR):c.2003del (p.Asn668fs)

Gene: MTR (5-methyltetrahydrofolate-homocysteine methyltransferase; plus strand). Cytogenetic location: 1q43.
Variant type: Deletion.
Coding change: c.2003del on transcript NM_000254.3 (MANE Select); coding-DNA position 2003, one base deleted (A; older notation c.2003delA).
Protein change: p.Asn668fs; shifts the reading frame from asparagine 668.
Molecular consequence: frameshift variant.
Genome position (GRCh38, 1-based): chr1:236,859,882, A deleted; the last of 3 consecutive A bases (chr1:236,859,880-236,859,882); deleting any one gives the same sequence. VCF-style (leftmost placement, unchanged base first): chr1-236859879-GA-G. GRCh37 (hg19) VCF-style: chr1-237023179-GA-G.
Other names: c.2003del, p.Asn668fs (NM_001291939.1); c.782del, p.Asn261fs (NM_001291940.2); c.2003delA (NM_000254.2); short protein forms N261fs, N668fs.
Identifiers: ClinVar variation 423261 (VCV000423261.2), dbSNP rs1064796330, ClinGen allele CA16617096.
Genomic context (GRCh38, chr1:236,859,879, plus strand): 5'-CAATTTCAATTCAGACTCAAGGCACAGGAGGGAAGAAAGTCATTCAGACTGATGAGTGGA[GA>G]AATGGCCCTGTCGAAGAACGCCTTGAGTATGCCCTTGTGAAGGTAAGTTACAGGGGCCTG-3'